The following is an entry in ClinVar:

NM_020975.6(RET):c.517T>C (p.Ser173Pro)

Gene: RET (ret proto-oncogene; plus strand). Cytogenetic location: 10q11.21.
Variant type: single nucleotide variant.
Coding change: c.517T>C on transcript NM_020975.6 (MANE Select); coding-DNA position 517, T replaced by C.
Protein change: p.Ser173Pro; replaces serine 173 with proline.
Molecular consequence: missense variant.
Genome position (GRCh38, 1-based): chr10:43,102,521, T>C. VCF-style: chr10-43102521-T-C. GRCh37 (hg19) VCF-style: chr10-43597969-T-C.
Other names: c.517T>C, p.Ser173Pro (NM_000323.2, NM_001406743.1, NM_001406744.1 and 16 more transcripts); c.388T>C, p.Ser130Pro (NM_001406761.1, NM_001406762.1, NM_001406764.1 and 4 more transcripts); short protein forms S173P, S130P.
Identifiers: ClinVar variation 220056 (VCV000220056.15), dbSNP rs864622361, ClinGen allele CA348499.

ClinVar aggregate classification (germline): Conflicting classifications of pathogenicity. Review status: criteria provided, conflicting classifications (1 of 4 stars). 5 submissions from 5 submitters: Uncertain significance (4); Benign (1). Last evaluated 2026-04-21.

Conditions:
Pheochromocytoma. Also called: MAX-Related Hereditary Paraganglioma-Pheochromocytoma Syndrome. Identifiers: Orphanet 29072, MedGen C0031511, MONDO:0008233, OMIM 171300, HP:0002666.
Hirschsprung disease, susceptibility to, 1 (HSCR1). Also called: RET-Related Hirschsprung Disease. Identifiers: Orphanet 388, MedGen C3888239, MONDO:0007723, OMIM 142623.
Familial medullary thyroid carcinoma (MTC). Also called: Thyroid cancer, familial medullary; MTC, familial; Familial Medullary Thyroid Carcinoma (FMTC). Identifiers: Orphanet 653, Orphanet 99361, MedGen C1833921, MONDO:0007958, OMIM 155240.
Multiple endocrine neoplasia type 2B. Also called: WAGENMANN-FROBOESE SYNDROME; MULTIPLE ENDOCRINE NEOPLASIA, TYPE III; MEN 2B; MUCOSAL NEUROMA SYNDROME; MULTIPLE ENDOCRINE NEOPLASIA, TYPE IIB; MEN IIB. Identifiers: Orphanet 247709, Orphanet 653, MedGen C0025269, MeSH D018814, MONDO:0008082, OMIM 162300.
Multiple endocrine neoplasia type 2A. Also called: MULTIPLE ENDOCRINE NEOPLASIA, TYPE IIA; PTC SYNDROME; SIPPLE SYNDROME; MEN 2A; MEN-2A syndrome; Pheochromocytoma and amyloid producing medullary thyroid carcinoma. Identifiers: Orphanet 247698, Orphanet 653, MedGen C0025268, MeSH D018813, MONDO:0008234, OMIM 171400.
Hereditary cancer-predisposing syndrome. Also called: Tumor predisposition; Hereditary neoplastic syndrome; Neoplastic Syndromes, Hereditary; Hereditary Cancer Syndrome. Identifiers: Orphanet 140162, MedGen C0027672, MeSH D009386, MONDO:0015356.
Multiple endocrine neoplasia, type 2 (MEN2). Identifiers: Orphanet 653, MedGen C4048306, MONDO:0019003. Disease mechanism: gain of function.

Allele frequency attached by ClinVar (database versions not stated): gnomAD exomes below 0.00001; TOPMed below 0.00001; gnomAD 0.00001.
gnomAD v4.1: 8 of 1,614,042 alleles (0.0005%); highest among the groups gnomAD compares: Non-Finnish European, 0.00068%; no homozygotes.

Submissions (5):

Ambry Genetics
Classification: Benign for Hereditary cancer-predisposing syndrome. Last evaluated: 2026-04-21. Review status: criteria provided, single submitter. Criteria: Ambry Variant Classification Scheme 2023. Collection method: clinical testing. Allele origin: germline.

Labcorp Genetics (formerly Invitae), Labcorp
Classification: Uncertain significance for Multiple endocrine neoplasia, type 2. Last evaluated: 2026-01-24. Review status: criteria provided, single submitter. Criteria: Invitae Variant Classification Sherloc (09022015). Collection method: clinical testing. Allele origin: germline.
Comment: This sequence change replaces serine, which is neutral and polar, with proline, which is neutral and non-polar, at codon 173 of the RET protein (p.Ser173Pro). This variant is not present in population databases (gnomAD no frequency). This variant has not been reported in the literature in individuals affected with RET-related conditions. ClinVar contains an entry for this variant (Variation ID: 220056). An algorithm developed to predict the effect of missense changes on protein structure and function (PolyPhen-2) suggests that this variant is likely to be disruptive. In summary, the available evidence is currently insufficient to determine the role of this variant in disease. Therefore, it has been classified as a Variant of Uncertain Significance.

Fulgent Genetics
Classification: Uncertain significance for Hirschsprung disease, susceptibility to, 1; Familial medullary thyroid carcinoma; Multiple endocrine neoplasia type 2B; Pheochromocytoma; Multiple endocrine neoplasia type 2A. Last evaluated: 2024-04-30. Review status: criteria provided, single submitter. Criteria: ACMG Guidelines, 2015. Collection method: clinical testing. Allele origin: germline.

Color Diagnostics, LLC DBA Color Health
Classification: Uncertain significance for Multiple endocrine neoplasia, type 2. Last evaluated: 2023-11-15. Review status: criteria provided, single submitter. Criteria: ACMG Guidelines, 2015. Collection method: clinical testing. Allele origin: germline.
Comment: This missense variant replaces serine with proline at codon 173 of the RET protein. Computational prediction suggests that this variant may not impact protein structure and function. To our knowledge, functional studies have not been reported for this variant. This variant has not been reported in individuals affected with RET-related disorders in the literature. This variant has not been identified in the general population by the Genome Aggregation Database (gnomAD). The available evidence is insufficient to determine the role of this variant in disease conclusively. Therefore, this variant is classified as a Variant of Uncertain Significance.

Institute for Genomic Medicine (IGM) Clinical Laboratory, Nationwide Children's Hospital
Classification: Uncertain significance for Hereditary cancer-predisposing syndrome. Last evaluated: 2023-02-14. Review status: criteria provided, single submitter. Criteria: ACMG Guidelines, 2015. Collection method: clinical testing. Allele origin: germline.
Comment: This variant is absent from or present at an exceedingly low frequency in gnomAD, a large-scale control population database (ACMG/AMP: PM2).